The following is an entry in ClinVar:

NM_000277.3(PAH):c.1200-8G>A

Gene: PAH (phenylalanine hydroxylase; minus strand). Cytogenetic location: 12q23.2.
Variant type: single nucleotide variant.
Coding change: c.1200-8G>A on transcript NM_000277.3 (MANE Select); 8 bases into the intron before coding-DNA position 1200, G replaced by A.
Molecular consequence: intron variant.
Genome position (GRCh38, 1-based): chr12:102,840,523, C>T on the plus strand (G>A on the coding strand, the complement: PAH is on the minus strand). VCF-style: chr12-102840523-C-T. GRCh37 (hg19) VCF-style: chr12-103234301-C-T.
Other names: c.1200-8G>A (NM_001354304.2, NM_000277.2).
Identifiers: ClinVar variation 102565 (VCV000102565.14), dbSNP rs62507261, ClinGen allele CA229395.

ClinVar aggregate classification (germline): Likely pathogenic. Review status: reviewed by expert panel (3 of 4 stars). 6 submissions from 6 submitters: Likely pathogenic (1). 5 of the submissions do not count toward it. Last evaluated 2019-09-29.

Conditions:
Phenylketonuria (PKU). Also called: Phenylketonuria (PKU); FOLLING DISEASE; OLIGOPHRENIA PHENYLPYRUVICA; Phenylketonurias. Identifiers: Orphanet 716, MedGen C0031485, MONDO:0009861, OMIM 261600. Disease mechanism: loss of function.

gnomAD v4.1: 2 of 1,591,358 alleles (0.00013%); highest among the groups gnomAD compares: East Asian, 0.0022%; no homozygotes.

Submissions (6):

ClinGen PAH Variant Curation Expert Panel
Classification: Likely pathogenic for Phenylketonuria. Last evaluated: 2019-09-29. Review status: reviewed by expert panel. Criteria: ClinGen PAH ACMG Specifications v1. Collection method: curation. Allele origin: germline. Inheritance: Autosomal recessive inheritance.
Comment: The c.1200-8G>A variant in PAH has been reported in multiple patients with PAH deficiency. BH4 deficiency excluded (PMID: 9391881, 23062575). This variant has extremely low frequency in gnomAD (MAF=0.00001) (PM2). This variant was detected with known pathogenic variants IVS10-11G>A, p.A403V (PM3). Computational evidence supports a splicing effect (HSF and MaxEnt). In summary, this variant meets criteria to be classified as likely pathogenic for PAH. PAH-specific ACMG/AMP criteria applied: PP4_Moderate, PM2, PM3, PP3.

Natera, Inc.
Classification: Likely pathogenic for Phenylketonuria. Last evaluated: 2025-02-24. Review status: criteria provided, single submitter. Criteria: Natera Variant Classification Schema (03/2026). Collection method: clinical testing. Allele origin: germline. Not counted in ClinVar's aggregate classification.
Comment: The c.1200-8G>A variant in PAH is an intronic variant located outside the canonical splice sites. This variant is rare in the general population with a frequency below the threshold expected for the associated phenotype(s). This variant has been observed in one or more individuals affected with the associated recessive disease, as either homozygous or compound heterozygous with a second variant (PMID: 12409276, 30459323, 32668217). Additionally, this variant has been observed to segregate in affected family members (PMID: 12409276). Computational prediction algorithms indicate this variant is likely to affect gene or protein function. Given the available evidence, this variant is classified as Likely Pathogenic.

Women's Health and Genetics/Laboratory Corporation of America, LabCorp
Classification: Pathogenic for Phenylketonuria. Last evaluated: 2023-11-17. Review status: criteria provided, single submitter. Criteria: LabCorp Variant Classification Summary - May 2015. Collection method: clinical testing. Allele origin: germline. Not counted in ClinVar's aggregate classification.
Comment: Variant summary: PAH c.1200-8G>A alters a non-conserved nucleotide located close to a canonical splice site and therefore could affect mRNA splicing, leading to a significantly altered protein sequence. Several computational tools predict a significant impact on normal splicing: two predict the variant abolishes a 3' acceptor site, two predict the variant weakens the same 3' acceptor site, and two predict the variant creates a 3' acceptor site. However, these predictions have yet to be confirmed by functional studies. The variant allele was found at a frequency of 4e-06 in 251396 control chromosomes (gnomAD). The available data on variant occurrences in the general population are insufficient to allow any conclusion about variant significance. c.1200-8G>A has been reported in the literature in multiple individuals affected with Phenylalanine Hydroxylase Deficiency (Phenylketonuria) (e.g., Kozak_1997, Bardelli_2002, Chen_2018, Hennermann_2012, Hillert_2020). These data indicate that the variant is very likely to be associated with disease. The following publications have been ascertained in the context of this evaluation (PMID: 12409276, 30459323, 23062575, 32668217, 9391881). Three submitters have reported clinical-significance assessments for this variant to ClinVar after 2014. All submitters classified the variant as pathogenic/likely pathogenic. Based on the evidence outlined above, the variant was classified as pathogenic.

Labcorp Genetics (formerly Invitae), Labcorp
Classification: Pathogenic for Phenylketonuria. Last evaluated: 2021-06-10. Review status: criteria provided, single submitter. Criteria: Invitae Variant Classification Sherloc (09022015). Collection method: clinical testing. Allele origin: germline. Not counted in ClinVar's aggregate classification.
Comment: This sequence change falls in intron 11 of the PAH gene. It does not directly change the encoded amino acid sequence of the PAH protein. This variant is not present in population databases (ExAC no frequency). This variant has been observed in combination with another PAH variant in several individuals affected with classical phenylketonuria (PMID: 9391881, 30459323). Algorithms developed to predict the effect of sequence changes on RNA splicing suggest that this variant may disrupt the consensus splice site, but this prediction has not been confirmed by published transcriptional studies. For these reasons, this variant has been classified as Pathogenic.

Counsyl
Classification: Likely pathogenic for Phenylketonuria. Last evaluated: 2019-02-26. Review status: no assertion criteria provided. Collection method: clinical testing. Allele origin: unknown. Not counted in ClinVar's aggregate classification.

DeBelle Laboratory for Biochemical Genetics, MUHC/MCH RESEARCH INSTITUTE
No classification provided. Review status: no classification provided. Collection method: not provided. Allele origin: not provided. Not counted in ClinVar's aggregate classification.

Literature cited by the submitters: PubMed 23062575 (cited by 3 submitters); PubMed 12409276 (cited by 4 submitters); PubMed 9391881 (cited by 4 submitters); PubMed 30459323 (cited by 3 submitters); PubMed 32668217 (cited by Natera, Inc. and Women's Health and Genetics/Laboratory Corporation of America, LabCorp); PubMed 29499199 (cited by Counsyl); PubMed 23357515 (cited by Counsyl).